The following is an entry in ClinVar:

NM_001256545.2(MEGF10):c.533G>T (p.Cys178Phe)

Gene: MEGF10 (multiple EGF like domains 10; plus strand). Cytogenetic location: 5q23.2.
Variant type: single nucleotide variant.
Coding change: c.533G>T on transcript NM_001256545.2 (MANE Select); coding-DNA position 533, G replaced by T.
Protein change: p.Cys178Phe; replaces cysteine 178 with phenylalanine.
Molecular consequence: missense variant.
Genome position (GRCh38, 1-based): chr5:127,396,652, G>T. VCF-style: chr5-127396652-G-T. GRCh37 (hg19) VCF-style: chr5-126732344-G-T.
Other names: c.533G>T, p.Cys178Phe (NM_001308119.2, NM_001308121.2, NM_032446.3); short protein forms C178F.
Identifiers: ClinVar variation 1052151 (VCV001052151.9), dbSNP rs2126922023, ClinGen allele CA360718474.

ClinVar aggregate classification (germline): Uncertain significance (1 of 4 stars; one submission).

Conditions:
MEGF10-related myopathy (CMYO10A). Also called: Congenital myopathy 10A, severe variant. Identifiers: Orphanet 439212, MedGen C3280679, MONDO:0013731, OMIM 614399.

Submission:

Labcorp Genetics (formerly Invitae), Labcorp
Classification: Uncertain significance for MEGF10-related myopathy. Last evaluated: 2020-08-24. Review status: criteria provided, single submitter. Criteria: Invitae Variant Classification Sherloc (09022015). Collection method: clinical testing. Allele origin: germline.
Comment: In summary, the available evidence is currently insufficient to determine the role of this variant in disease. Therefore, it has been classified as a Variant of Uncertain Significance. This sequence change replaces cysteine with phenylalanine at codon 178 of the MEGF10 protein (p.Cys178Phe). The cysteine residue is highly conserved and there is a large physicochemical difference between cysteine and phenylalanine. This variant is not present in population databases (ExAC no frequency). This variant has not been reported in the literature in individuals with MEGF10-related conditions. Algorithms developed to predict the effect of missense changes on protein structure and function (SIFT, PolyPhen-2, Align-GVGD) all suggest that this variant is likely to be disruptive, but these predictions have not been confirmed by published functional studies and their clinical significance is uncertain.